The following is an entry in ClinVar:

ClinVar aggregate classification (germline): Uncertain significance (1 of 4 stars; one submission).

Conditions:
Cardiomyopathy (CMYO). Also called: Cardiomyopathies. Identifiers: Orphanet 167848, MedGen C0878544, MONDO:0004994, HP:0001638. Inheritance: Various modes of inheritance.

Submission:

All of Us Research Program, National Institutes of Health
Classification: Uncertain significance for Cardiomyopathy. Last evaluated: 2023-10-06. Review status: criteria provided, single submitter. Criteria: ACMG Guidelines, 2015. Collection method: clinical testing. Allele origin: germline. Inheritance: Autosomal dominant inheritance. Observed: 1 variant allele, 1 heterozygote.
Comment: This missense variant replaces aspartic acid with glycine at codon 85 of the MYH7 protein. Computational prediction suggests that this variant may have deleterious impact on protein structure and function (internally defined REVEL score threshold >= 0.7, PMID: 27666373). To our knowledge, functional studies have not been reported for this variant. This variant has not been reported in individuals affected with MYH7-related disorders in the literature. This variant has not been identified in the general population by the Genome Aggregation Database (gnomAD). The available evidence is insufficient to determine the role of this variant in disease conclusively. Therefore, this variant is classified as a Variant of Uncertain Significance.

This study involves interpretation of variants in research participants for the purpose of population health screening. Participant phenotype was not available at the time of variant classification. Additional details can be found in publication PMID: 35346344, PMCID: PMC8962531

NM_000257.4(MYH7):c.254A>G (p.Asp85Gly)

Gene: MYH7 (myosin heavy chain 7; minus strand). Cytogenetic location: 14q11.2.
Variant type: single nucleotide variant.
Coding change: c.254A>G on transcript NM_000257.4 (MANE Select); coding-DNA position 254, A replaced by G.
Protein change: p.Asp85Gly; replaces aspartic acid 85 with glycine.
Molecular consequence: missense variant.
Genome position (GRCh38, 1-based): chr14:23,433,175, T>C on the plus strand (A>G on the coding strand, the complement: MYH7 is on the minus strand). VCF-style: chr14-23433175-T-C. GRCh37 (hg19) VCF-style: chr14-23902384-T-C.
Other names: c.254A>G, p.Asp85Gly (NM_001407004.1); short protein forms D85G.
Identifiers: ClinVar variation 3073746 (VCV003073746.1), dbSNP rs2502320265, ClinGen allele CA389053346.